The following is an entry in ClinVar:

ClinVar aggregate classification (germline): Uncertain significance (1 of 4 stars; one submission).

Conditions:
Inborn genetic diseases. Identifiers: MedGen C0950123, MeSH D030342.

Allele frequency attached by ClinVar (database versions not stated): ExAC 0.00006.
gnomAD v4.1: 9 of 1,561,112 alleles (0.00058%); highest among the groups gnomAD compares: African/African-American, 0.012%; no homozygotes.

Submission:

Ambry Genetics
Classification: Uncertain significance for Inborn genetic diseases. Last evaluated: 2021-07-23. Review status: criteria provided, single submitter. Criteria: Ambry Variant Classification Scheme 2023. Collection method: clinical testing. Allele origin: germline.
Comment: The p.E300Q variant (also known as c.898G>C), located in coding exon 10 of the ERCC2 gene, results from a G to C substitution at nucleotide position 898. The glutamic acid at codon 300 is replaced by glutamine, an amino acid with highly similar properties. This amino acid position is conserved. In addition, the in silico prediction for this alteration is inconclusive. Since supporting evidence is limited at this time, the clinical significance of this alteration remains unclear.

NM_000400.4(ERCC2):c.898G>C (p.Glu300Gln)

Gene: ERCC2 (ERCC excision repair 2, TFIIH core complex helicase subunit; minus strand). Cytogenetic location: 19q13.32.
Variant type: single nucleotide variant.
Coding change: c.898G>C on transcript NM_000400.4 (MANE Select); coding-DNA position 898, G replaced by C.
Protein change: p.Glu300Gln; replaces glutamic acid 300 with glutamine.
Molecular consequence: missense variant.
Genome position (GRCh38, 1-based): chr19:45,364,037, C>G on the plus strand (G>C on the coding strand, the complement: ERCC2 is on the minus strand). VCF-style: chr19-45364037-C-G. GRCh37 (hg19) VCF-style: chr19-45867295-C-G.
Other names: c.826G>C, p.Glu276Gln (NM_001130867.2); short protein forms E300Q, E276Q.
Identifiers: ClinVar variation 1765357 (VCV001765357.2), dbSNP rs774977350, ClinGen allele CA9513585.